The following is an entry in ClinVar:

ClinVar aggregate classification (germline): Uncertain significance (1 of 4 stars; one submission).

Conditions:
Vici syndrome (VICIS). Identifiers: Orphanet 1493, MedGen C1855772, MONDO:0009452, OMIM 242840.

Submission:

Labcorp Genetics (formerly Invitae), Labcorp
Classification: Uncertain significance for Vici syndrome. Last evaluated: 2022-08-31. Review status: criteria provided, single submitter. Criteria: Invitae Variant Classification Sherloc (09022015). Collection method: clinical testing. Allele origin: germline.
Comment: In summary, the available evidence is currently insufficient to determine the role of this variant in disease. Therefore, it has been classified as a Variant of Uncertain Significance. Algorithms developed to predict the effect of missense changes on protein structure and function are either unavailable or do not agree on the potential impact of this missense change (SIFT: "Tolerated"; PolyPhen-2: "Probably Damaging"; Align-GVGD: "Class C0"). ClinVar contains an entry for this variant (Variation ID: 1377254). This variant has not been reported in the literature in individuals affected with EPG5-related conditions. This variant is not present in population databases (gnomAD no frequency). This sequence change replaces asparagine, which is neutral and polar, with threonine, which is neutral and polar, at codon 2096 of the EPG5 protein (p.Asn2096Thr).

NM_020964.3(EPG5):c.6287A>C (p.Asn2096Thr)

Gene: EPG5 (ectopic P-granules 5 autophagy tethering factor; minus strand). Cytogenetic location: 18q12.3.
Variant type: single nucleotide variant.
Coding change: c.6287A>C on transcript NM_020964.3 (MANE Select); coding-DNA position 6287, A replaced by C.
Protein change: p.Asn2096Thr; replaces asparagine 2096 with threonine.
Molecular consequence: missense variant.
Genome position (GRCh38, 1-based): chr18:45,867,687, T>G on the plus strand (A>C on the coding strand, the complement: EPG5 is on the minus strand). VCF-style: chr18-45867687-T-G. GRCh37 (hg19) VCF-style: chr18-43447652-T-G.
Other names: short protein forms N2096T.
Identifiers: ClinVar variation 1377254 (VCV001377254.6), dbSNP rs141854483, ClinGen allele CA299699565.